The following is an entry in ClinVar:

NM_000090.4(COL3A1):c.3920C>G (p.Pro1307Arg)

Gene: COL3A1 (collagen type III alpha 1 chain; plus strand). Cytogenetic location: 2q32.2.
Variant type: single nucleotide variant.
Coding change: c.3920C>G on transcript NM_000090.4 (MANE Select); coding-DNA position 3920, C replaced by G.
Protein change: p.Pro1307Arg; replaces proline 1307 with arginine.
Molecular consequence: missense variant.
Genome position (GRCh38, 1-based): chr2:189,010,274, C>G. VCF-style: chr2-189010274-C-G. GRCh37 (hg19) VCF-style: chr2-189875000-C-G.
Other names: short protein forms P1307R.
Identifiers: ClinVar variation 3634109 (VCV003634109.2).
Genomic context (GRCh38, chr2:189,010,274, plus strand): 5'-TGGATGCTATCAAGGTATTCTGTAATATGGAAACTGGGGAAACATGCATAAGTGCCAATC[C>G]TTTGAATGTTCCACGGAAACACTGGTGGACAGATTCTAGTGCTGAGAAGAAACACGTTTG-3'
Protein context (NP_000081.2, residues 1297-1317): ETGETCISAN[Pro1307Arg]LNVPRKHWWT

ClinVar aggregate classification (germline): Uncertain significance (1 of 4 stars; one submission).

Conditions:
Ehlers-Danlos syndrome, type 4 (EDSVASC). Also called: Ehlers-Danlos syndrome vascular type; Ehlers Danlos syndrome, ecchymotic type; Ehlers Danlos syndrome, arterial type; Ehlers Danlos syndrome, Sack-Barabas type; Ehlers-Danlos Syndrome Type IV. Identifiers: Orphanet 286, MedGen C0268338, MONDO:0017314, OMIM 130050.

Submission:

Labcorp Genetics (formerly Invitae), Labcorp
Classification: Uncertain significance for Ehlers-Danlos syndrome, type 4. Last evaluated: 2024-08-02. Review status: criteria provided, single submitter. Criteria: Invitae Variant Classification Sherloc (09022015). Collection method: clinical testing. Allele origin: germline.
Comment: This sequence change replaces proline, which is neutral and non-polar, with arginine, which is basic and polar, at codon 1307 of the COL3A1 protein (p.Pro1307Arg). This variant is not present in population databases (gnomAD no frequency). This variant has not been reported in the literature in individuals affected with COL3A1-related conditions. Advanced modeling of protein sequence and biophysical properties (such as structural, functional, and spatial information, amino acid conservation, physicochemical variation, residue mobility, and thermodynamic stability) performed at Invitae indicates that this missense variant is not expected to disrupt COL3A1 protein function with a negative predictive value of 95%. In summary, the available evidence is currently insufficient to determine the role of this variant in disease. Therefore, it has been classified as a Variant of Uncertain Significance.